The following is an entry in ClinVar:

ClinVar aggregate classification (germline): Conflicting classifications of pathogenicity. Review status: criteria provided, conflicting classifications (1 of 4 stars). 7 submissions from 7 submitters: Uncertain significance (6); Likely benign (1). Last evaluated 2026-01-28.

Conditions:
Hereditary cancer-predisposing syndrome. Also called: Neoplastic Syndromes, Hereditary; Tumor predisposition; Hereditary Cancer Syndrome; Hereditary neoplastic syndrome. Identifiers: Orphanet 140162, MedGen C0027672, MeSH D009386, MONDO:0015356.
Nijmegen breakage syndrome-like disorder (NBSLD). Also called: MICROCEPHALY AND SPONTANEOUS CHROMOSOME INSTABILITY WITHOUT IMMUNODEFICIENCY; NBS-LIKE DISORDER; RAD50 DEFICIENCY. Identifiers: Orphanet 240760, MedGen C2751318, MONDO:0013118, OMIM 613078.

Allele frequency attached by ClinVar (database versions not stated): ESP Exome Variant Server 0.00015; 1000 Genomes Project 30x 0.00016; 1000 Genomes Project 0.00020; TOPMed 0.00022; gnomAD 0.00023 and 0.00024; gnomAD exomes 0.00026 and 0.00033; ExAC 0.00040.
gnomAD v4.1: 501 of 1,613,074 alleles (0.031%); highest among the groups gnomAD compares: Non-Finnish European, 0.041%; no homozygotes.

Submissions (7):

Labcorp Genetics (formerly Invitae), Labcorp
Classification: Uncertain significance for Hereditary cancer-predisposing syndrome. Last evaluated: 2026-01-28. Review status: criteria provided, single submitter. Criteria: Invitae Variant Classification Sherloc (09022015). Collection method: clinical testing. Allele origin: germline.
Comment: This sequence change replaces lysine, which is basic and polar, with glutamic acid, which is acidic and polar, at codon 446 of the RAD50 protein (p.Lys446Glu). This variant is present in population databases (rs149217423, gnomAD 0.05%). This missense change has been observed in individual(s) with breast and ovarian cancer (PMID: 24894818, 26689913, 30441849). ClinVar contains an entry for this variant (Variation ID: 140939). Invitae Evidence Modeling of protein sequence and biophysical properties (such as structural, functional, and spatial information, amino acid conservation, physicochemical variation, residue mobility, and thermodynamic stability) indicates that this missense variant is expected to disrupt RAD50 protein function with a positive predictive value of 80%. In summary, the available evidence is currently insufficient to determine the role of this variant in disease. Therefore, it has been classified as a Variant of Uncertain Significance.

Women's Health and Genetics/Laboratory Corporation of America, LabCorp
Classification: Uncertain significance. Last evaluated: 2025-04-04. Review status: criteria provided, single submitter. Criteria: LabCorp Variant Classification Summary - May 2015. Collection method: clinical testing. Allele origin: germline.
Comment: Variant summary: RAD50 c.1336A>G (p.Lys446Glu) results in a conservative amino acid change in the encoded protein sequence. Three of five in-silico tools predict a benign effect of the variant on protein function. The variant allele was found at a frequency of 0.00026 in 250474 control chromosomes. This frequency is not significantly higher than estimated for a pathogenic variant in RAD50 causing Nijmegen Breakage Syndrome-Like Disorder (0.00026 vs 0.0024), allowing no conclusion about variant significance. c.1336A>G, has been reported in the literature in individuals affected with Hereditary Breast and Ovarian Cancer, without strong evidence for pathogenicity (Damiola_2014, Haiman_2013, Lu_2015, Schoolmeester_2017, Young_2016). These report(s) do not provide unequivocal conclusions about association of the variant with Nijmegen Breakage Syndrome-Like Disorder. To our knowledge, no experimental evidence demonstrating an impact on protein function has been reported. The following publications have been ascertained in the context of this evaluation (PMID: 24894818, 23555315, 26689913, 28709830, 26787654, 19917125, 32807118, 28102005, 35250968, 33994539, 30441849). ClinVar contains an entry for this variant (Variation ID: 140939). Based on the evidence outlined above, the variant was classified as uncertain significance.

Quest Diagnostics Nichols Institute San Juan Capistrano
Classification: Uncertain significance. Last evaluated: 2024-10-31. Review status: criteria provided, single submitter. Criteria: Quest Diagnostics criteria. Collection method: clinical testing. Allele origin: unknown.
Comment: The RAD50 c.1336A>G (p.Lys446Glu) variant has been reported in the published literature in individuals with breast cancer (PMID: 24894818 (2014)) and ovarian cancer (PMID: 30441849 (2018)). This variant has also been reported in an unaffected individual who also carried a gross exonic deletion in the RAD51C gene (PMID: 28709830 (2017)). In a large breast cancer association study, this variant was found in individuals with breast cancer cases as well as in reportedly healthy individuals (PMID: 33471991 (2021), see also LOVD). The frequency of this variant in the general population, 0.0014 (36/26090 chromosomes (Genome Aggregation Database)), is higher than would generally be expected for pathogenic variants in this gene. Analysis of this variant using bioinformatics tools for the prediction of the effect of amino acid changes on protein structure and function yielded conflicting predictions that this variant is benign or damaging. Based on the available information, we are unable to determine the clinical significance of this variant.

Baylor Genetics
Classification: Uncertain significance for Nijmegen breakage syndrome-like disorder. Last evaluated: 2024-03-27. Review status: criteria provided, single submitter. Criteria: ACMG Guidelines, 2015. Collection method: clinical testing. Allele origin: unknown.

GeneDx
Classification: Uncertain significance. Last evaluated: 2022-01-06. Review status: criteria provided, single submitter. Criteria: GeneDx Variant Classification Process June 2021. Collection method: clinical testing. Allele origin: germline. Affected: yes.
Comment: In silico analysis supports that this missense variant does not alter protein structure/function; Variants in candidate genes are classified as variants of uncertain significance in accordance with ACMG guidelines (Richards 2015); This variant is associated with the following publications: (PMID: 24894818, 26689913, 26787654, 28709830, 23555315)

Ambry Genetics
Classification: Likely benign for Hereditary cancer-predisposing syndrome. Last evaluated: 2020-11-24. Review status: criteria provided, single submitter. Criteria: Ambry Variant Classification Scheme 2023. Collection method: clinical testing. Allele origin: germline.

Fulgent Genetics
Classification: Uncertain significance for Nijmegen breakage syndrome-like disorder. Last evaluated: 2017-05-23. Review status: criteria provided, single submitter. Criteria: ACMG Guidelines, 2015. Collection method: clinical testing. Allele origin: unknown.

Literature cited by the submitters: PubMed 24894818 (cited by 4 submitters); PubMed 26689913 (cited by 4 submitters); PubMed 30441849 (cited by 3 submitters); PubMed 23555315 (cited by Women's Health and Genetics/Laboratory Corporation of America, LabCorp); PubMed 26787654 (cited by Women's Health and Genetics/Laboratory Corporation of America, LabCorp and Ambry Genetics); PubMed 28709830 (cited by Women's Health and Genetics/Laboratory Corporation of America, LabCorp and Quest Diagnostics Nichols Institute San Juan Capistrano); PubMed 33471991 (cited by Quest Diagnostics Nichols Institute San Juan Capistrano).

NM_005732.4(RAD50):c.1336A>G (p.Lys446Glu)

Gene: RAD50 (RAD50 double strand break repair protein; plus strand). Cytogenetic location: 5q31.1.
Variant type: single nucleotide variant.
Coding change: c.1336A>G on transcript NM_005732.4 (MANE Select); coding-DNA position 1336, A replaced by G.
Protein change: p.Lys446Glu; replaces lysine 446 with glutamic acid.
Molecular consequence: missense variant.
Genome position (GRCh38, 1-based): chr5:132,589,721, A>G. VCF-style: chr5-132589721-A-G. GRCh37 (hg19) VCF-style: chr5-131925413-A-G.
Other names: short protein forms K446E.
Identifiers: ClinVar variation 140939 (VCV000140939.23), dbSNP rs149217423, ClinGen allele CA333171.